The following is an entry in ClinVar:

ClinVar aggregate classification (germline): Likely pathogenic (1 of 4 stars; one submission).

Conditions:
Autosomal recessive limb-girdle muscular dystrophy type 2J (LGMDR10). Also called: Limb-girdle muscular dystrophy, type 2J; MUSCULAR DYSTROPHY, LIMB-GIRDLE, AUTOSOMAL RECESSIVE 10. Identifiers: Orphanet 140922, MedGen C1837342, MONDO:0012127, OMIM 608807.
Dilated cardiomyopathy 1G (CMD1G). Identifiers: Orphanet 154, MedGen C1858763, MONDO:0011400, OMIM 604145.

Submission:

Labcorp Genetics (formerly Invitae), Labcorp
Classification: Likely pathogenic for Dilated cardiomyopathy 1G; Autosomal recessive limb-girdle muscular dystrophy type 2J. Last evaluated: 2024-01-30. Review status: criteria provided, single submitter. Criteria: Invitae Variant Classification Sherloc (09022015). Collection method: clinical testing. Allele origin: germline.
Comment: This sequence change creates a premature translational stop signal (p.Ala29816Trpfs*10) in the TTN gene. While this is not anticipated to result in nonsense mediated decay, it is expected to create a truncated TTN protein. This variant is not present in population databases (gnomAD no frequency). This variant has not been reported in the literature in individuals affected with TTN-related conditions. This variant is located in the A band of TTN (PMID: 25589632). Truncating variants in this region are significantly overrepresented in patients affected with dilated cardiomyopathy (PMID: 25589632). Truncating variants in this region have also been reported in individuals affected with autosomal recessive centronuclear myopathy (PMID: 23975875). In summary, the currently available evidence indicates that the variant is pathogenic, but additional data are needed to prove that conclusively. Therefore, this variant has been classified as Likely Pathogenic.

Literature cited by the submitters: PubMed 25589632; PubMed 23975875.

NM_001267550.2(TTN):c.89445_89446del (p.Ala29816fs)

Genes: TTN (titin; minus strand), TTN-AS1 (TTN antisense RNA 1; plus strand). Cytogenetic location: 2q31.2.
Variant type: Microsatellite.
Coding change: c.89445_89446del on transcript NM_001267550.2 (MANE Select); coding-DNA positions 89445 to 89446, 2 bases deleted (TG; older notation c.89445_89446delTG).
Protein change: p.Ala29816fs; shifts the reading frame from alanine 29816.
Molecular consequence: frameshift variant.
Genome position (GRCh38, 1-based): chr2:178,553,559-178,553,560, CA deleted on the plus strand (TG on the coding strand, the reverse complement: TTN is on the minus strand); deleting any 2 consecutive bases within chr2:178,553,559-178,553,562 gives the same sequence; the c. name uses the placement nearest the transcript's 3' end. VCF-style (leftmost placement, unchanged base first): chr2-178553558-GCA-G. GRCh37 (hg19) VCF-style: chr2-179418285-GCA-G.
Other names: c.84522_84523del, p.Ala28175fs (NM_001256850.1); c.62250_62251del, p.Ala20751fs (NM_003319.4); c.81741_81742del, p.Ala27248fs (NM_133378.4); c.62625_62626del, p.Ala20876fs (NM_133432.3); c.62826_62827del, p.Ala20943fs (NM_133437.4); short protein forms A20876fs, A27248fs, A29816fs, A20943fs, A28175fs, A20751fs.
Identifiers: ClinVar variation 2954210 (VCV002954210.3), dbSNP rs2469332548, ClinGen allele CA2740095997.